The following is an entry in ClinVar:

ClinVar aggregate classification (germline): Uncertain significance. Review status: criteria provided, multiple submitters, no conflicts (2 of 4 stars). 2 submissions from 2 submitters: Uncertain significance (2). Last evaluated 2025-06-11.

Allele frequency attached by ClinVar (database versions not stated): TOPMed 0.00003; gnomAD 0.00006 and 0.00007; 1000 Genomes Project 30x 0.00016; 1000 Genomes Project 0.00020.
gnomAD v4.1: 21 of 1,614,064 alleles (0.0013%); highest among the groups gnomAD compares: East Asian, 0.038%; no homozygotes.

Submissions (2):

Ambry Genetics
Classification: Uncertain significance. Last evaluated: 2025-06-11. Review status: criteria provided, single submitter. Criteria: Ambry Variant Classification Scheme 2023. Collection method: clinical testing. Allele origin: germline.

Labcorp Genetics (formerly Invitae), Labcorp
Classification: Uncertain significance. Last evaluated: 2020-12-22. Review status: criteria provided, single submitter. Criteria: Invitae Variant Classification Sherloc (09022015). Collection method: clinical testing. Allele origin: germline.
Comment: This sequence change replaces threonine with arginine at codon 328 of the DGKZ protein (p.Thr328Arg). The threonine residue is moderately conserved and there is a moderate physicochemical difference between threonine and arginine. In summary, the available evidence is currently insufficient to determine the role of this variant in disease. Therefore, it has been classified as a Variant of Uncertain Significance. Algorithms developed to predict the effect of sequence changes on RNA splicing suggest that this variant may create or strengthen a splice site, but this prediction has not been confirmed by published transcriptional studies. Algorithms developed to predict the effect of missense changes on protein structure and function are either unavailable or do not agree on the potential impact of this missense change (SIFT: "Tolerated"; PolyPhen-2: "Probably Damaging"; Align-GVGD: "Class C0"). This variant has not been reported in the literature in individuals with DGKZ-related conditions. This variant is present in population databases (rs556351919, ExAC 0.1%).

NM_001199267.2(DGKZ):c.416C>G (p.Thr139Arg)

Gene: DGKZ (diacylglycerol kinase zeta; plus strand). Cytogenetic location: 11p11.2.
Variant type: single nucleotide variant.
Coding change: c.416C>G on transcript NM_001199267.2 (MANE Select); coding-DNA position 416, C replaced by G.
Protein change: p.Thr139Arg; replaces threonine 139 with arginine.
Molecular consequence: missense variant.
Genome position (GRCh38, 1-based): chr11:46,368,054, C>G. VCF-style: chr11-46368054-C-G. GRCh37 (hg19) VCF-style: chr11-46389604-C-G.
Other names: c.983C>G, p.Thr328Arg (NM_001105540.2); c.419C>G, p.Thr140Arg (NM_001199266.2, NM_001199268.2, NM_003646.4); c.467C>G, p.Thr156Arg (NM_201532.3); c.431C>G, p.Thr144Arg (NM_201533.3); c.983C>G (NM_001105540.1); short protein forms T139R, T140R, T328R, T144R, T156R.
Identifiers: ClinVar variation 1491164 (VCV001491164.9), dbSNP rs556351919, ClinGen allele CA5962368.